The following is an entry in ClinVar:

ClinVar aggregate classification (germline): Likely benign. Review status: criteria provided, multiple submitters, no conflicts (2 of 4 stars). 5 submissions from 5 submitters: Likely benign (3). 2 of the submissions do not count toward it. Last evaluated 2026-01-24.

Conditions:
SIX5-related disorder. Also called: SIX5-related condition.

Allele frequency attached by ClinVar (database versions not stated): gnomAD exomes 0.00010 and 0.00026; ExAC 0.00031; ESP Exome Variant Server 0.00071; 1000 Genomes Project 0.00080; 1000 Genomes Project 30x 0.00094; gnomAD 0.00094 and 0.00105; TOPMed 0.00114.

Submissions (5):

Labcorp Genetics (formerly Invitae), Labcorp
Classification: Likely benign. Last evaluated: 2026-01-24. Review status: criteria provided, single submitter. Criteria: Invitae Variant Classification Sherloc (09022015). Collection method: clinical testing. Allele origin: germline.

Blueprint Genetics
Classification: Likely benign. Last evaluated: 2023-10-19. Review status: criteria provided, single submitter. Criteria: ACMG Guidelines, 2015. Collection method: clinical testing. Allele origin: germline.

GeneDx
Classification: Likely benign. Last evaluated: 2021-05-07. Review status: criteria provided, single submitter. Criteria: GeneDx Variant Classification Process June 2021. Collection method: clinical testing. Allele origin: germline. Affected: yes.

PreventionGenetics, part of Exact Sciences
Classification: Likely benign for SIX5-related condition. Last evaluated: 2023-09-13. Review status: no assertion criteria provided. Collection method: clinical testing. Allele origin: germline. Not counted in ClinVar's aggregate classification.
Comment: This variant is classified as likely benign based on ACMG/AMP sequence variant interpretation guidelines (Richards et al. 2015 PMID: 25741868, with internal and published modifications).

Genetic Services Laboratory, University of Chicago
Classification: Likely benign. Last evaluated: 2022-08-26. Review status: no assertion criteria provided. Collection method: clinical testing. Allele origin: germline. Affected: no. Not counted in ClinVar's aggregate classification.

NM_175875.5(SIX5):c.1873G>A (p.Ala625Thr)

Gene: SIX5 (SIX homeobox 5; minus strand). Cytogenetic location: 19q13.32.
Variant type: single nucleotide variant.
Coding change: c.1873G>A on transcript NM_175875.5 (MANE Select); coding-DNA position 1873, G replaced by A.
Protein change: p.Ala625Thr; replaces alanine 625 with threonine.
Molecular consequence: missense variant.
Genome position (GRCh38, 1-based): chr19:45,765,848, C>T on the plus strand (G>A on the coding strand, the complement: SIX5 is on the minus strand). VCF-style: chr19-45765848-C-T. GRCh37 (hg19) VCF-style: chr19-46269106-C-T.
Other names: short protein forms A625T.
Identifiers: ClinVar variation 732479 (VCV000732479.14), dbSNP rs202187498, ClinGen allele CA9520490.